The following is an entry in ClinVar:

NM_020461.4(TUBGCP6):c.950G>A (p.Arg317Lys)

Gene: TUBGCP6 (tubulin gamma complex component 6; minus strand). Cytogenetic location: 22q13.33.
Variant type: single nucleotide variant.
Coding change: c.950G>A on transcript NM_020461.4 (MANE Select); coding-DNA position 950, G replaced by A.
Protein change: p.Arg317Lys; replaces arginine 317 with lysine.
Molecular consequence: missense variant.
Genome position (GRCh38, 1-based): chr22:50,233,482, C>T on the plus strand (G>A on the coding strand, the complement: TUBGCP6 is on the minus strand). VCF-style: chr22-50233482-C-T. GRCh37 (hg19) VCF-style: chr22-50671911-C-T.
Other names: short protein forms R317K.
Identifiers: ClinVar variation 2109070 (VCV002109070.4), dbSNP rs778164734, ClinGen allele CA10308878.
Genomic context (GRCh38, chr22:50,233,482, plus strand): 5'-CCCCCAGCAAGCAGCTGGAGCTCCCCTTGGTGGAGCCTGCAGAACTTGTCGAAAGCGTCC[C>T]TTCCCGCCTCCGTCAGGTAAGGCTCCTCTCTGTGGCCAGGGGGGCTGCGAGGGGTGCAGA-3'
Protein context (NP_065194.3, residues 307-327): REEPYLTEAG[Arg317Lys]DAFDKFCRLH

ClinVar aggregate classification (germline): Uncertain significance (1 of 4 stars; one submission).

Allele frequency attached by ClinVar (database versions not stated): gnomAD exomes below 0.00001; ExAC 0.00001.
gnomAD v4.1: 2 of 1,611,464 alleles (0.00012%); highest among the groups gnomAD compares: South Asian, 0.0022%; no homozygotes.

Submission:

Labcorp Genetics (formerly Invitae), Labcorp
Classification: Uncertain significance. Last evaluated: 2022-03-11. Review status: criteria provided, single submitter. Criteria: Invitae Variant Classification Sherloc (09022015). Collection method: clinical testing. Allele origin: germline.
Comment: In summary, the available evidence is currently insufficient to determine the role of this variant in disease. Therefore, it has been classified as a Variant of Uncertain Significance. Algorithms developed to predict the effect of missense changes on protein structure and function are either unavailable or do not agree on the potential impact of this missense change (SIFT: "Tolerated"; PolyPhen-2: "Probably Damaging"; Align-GVGD: "Class C0"). This variant has not been reported in the literature in individuals affected with TUBGCP6-related conditions. The frequency data for this variant in the population databases is considered unreliable, as metrics indicate poor data quality at this position in the gnomAD database. This sequence change replaces arginine, which is basic and polar, with lysine, which is basic and polar, at codon 317 of the TUBGCP6 protein (p.Arg317Lys).